The following is an entry in ClinVar:

NM_002184.4(IL6ST):c.1282A>G (p.Met428Val)

Gene: IL6ST (interleukin 6 cytokine family signal transducer; minus strand). Cytogenetic location: 5q11.2.
Variant type: single nucleotide variant.
Coding change: c.1282A>G on transcript NM_002184.4 (MANE Select); coding-DNA position 1282, A replaced by G.
Protein change: p.Met428Val; replaces methionine 428 with valine.
Molecular consequence: missense variant. On other transcripts: 3 prime UTR variant (1), non-coding transcript variant (2), intron variant (1).
Genome position (GRCh38, 1-based): chr5:55,954,978, T>C on the plus strand (A>G on the coding strand, the complement: IL6ST is on the minus strand). VCF-style: chr5-55954978-T-C. GRCh37 (hg19) VCF-style: chr5-55250806-T-C.
Other names: c.1282A>G, p.Met428Val (NM_001364275.2); c.1072A>G, p.Met358Val (NM_001364276.2); c.415A>G, p.Met139Val (NM_001364277.2); c.379A>G, p.Met127Val (NM_001364278.2); c.286A>G, p.Met96Val (NM_001364279.2); c.*209A>G (NM_175767.3); c.1267+1047A>G (NM_001190981.2); short protein forms M139V, M358V, M428V, M127V, M96V.
Identifiers: ClinVar variation 1514549 (VCV001514549.6), dbSNP rs1371143935, ClinGen allele CA359763709.

ClinVar aggregate classification (germline): Uncertain significance (1 of 4 stars; one submission).

Allele frequency attached by ClinVar (database versions not stated): gnomAD exomes below 0.00001 and 0.00001.
gnomAD v4.1: 4 of 1,601,124 alleles (0.00025%); highest among the groups gnomAD compares: South Asian, 0.0023%; no homozygotes.

Submission:

Labcorp Genetics (formerly Invitae), Labcorp
Classification: Uncertain significance. Last evaluated: 2021-10-15. Review status: criteria provided, single submitter. Criteria: Invitae Variant Classification Sherloc (09022015). Collection method: clinical testing. Allele origin: germline.
Comment: This sequence change replaces methionine with valine at codon 428 of the IL6ST protein (p.Met428Val). The methionine residue is weakly conserved and there is a small physicochemical difference between methionine and valine. This variant is not present in population databases (ExAC no frequency). This variant has not been reported in the literature in individuals affected with IL6ST-related conditions. Algorithms developed to predict the effect of missense changes on protein structure and function output the following: SIFT: "Tolerated"; PolyPhen-2: "Benign"; Align-GVGD: "Class C0". The valine amino acid residue is found in multiple mammalian species, which suggests that this missense change does not adversely affect protein function. Algorithms developed to predict the effect of sequence changes on RNA splicing suggest that this variant may create or strengthen a splice site. In summary, the available evidence is currently insufficient to determine the role of this variant in disease. Therefore, it has been classified as a Variant of Uncertain Significance.